The following is an entry in ClinVar:

ClinVar aggregate classification (germline): Benign/Likely benign. Review status: criteria provided, multiple submitters, no conflicts (2 of 4 stars). 4 submissions from 4 submitters: Benign (2); Likely benign (2). Last evaluated 2026-07-14.

Conditions:
ZCCHC8-related disorder. Also called: ZCCHC8-related condition.

Allele frequency attached by ClinVar (database versions not stated): gnomAD exomes 0.00021 and 0.00047; ExAC 0.00048; 1000 Genomes Project 0.00160; gnomAD 0.00205 and 0.00222; TOPMed 0.00225; ESP Exome Variant Server 0.00246.
gnomAD v4.1: 637 of 1,612,742 alleles (0.039%); highest among the groups gnomAD compares: African/African-American, 0.72%; 3 homozygotes.

Submissions (4):

PreventionGenetics, part of Exact Sciences
Classification: Likely benign for ZCCHC8-related condition. Last evaluated: 2026-07-14. Review status: criteria provided, single submitter. Criteria: ACMG Guidelines, 2015. Collection method: clinical testing. Allele origin: germline.
Comment: This variant is classified as likely benign based on ACMG/AMP sequence variant interpretation guidelines (Richards et al. 2015 PMID: 25741868, with internal and published modifications).

Labcorp Genetics (formerly Invitae), Labcorp
Classification: Benign. Last evaluated: 2026-02-01. Review status: criteria provided, single submitter. Criteria: Invitae Variant Classification Sherloc (09022015). Collection method: clinical testing. Allele origin: germline.

Blueprint Genetics
Classification: Likely benign. Last evaluated: 2024-11-05. Review status: criteria provided, single submitter. Criteria: ACMG Guidelines, 2015. Collection method: clinical testing. Allele origin: germline.

Breakthrough Genomics
Classification: Benign. Review status: criteria provided, single submitter. Criteria: ACMG Guidelines, 2015. Collection method: not provided. Allele origin: germline. Inheritance: Autosomal dominant inheritance. Affected: yes.

NM_017612.5(ZCCHC8):c.200-4T>C

Gene: ZCCHC8 (zinc finger CCHC-type containing 8; minus strand). Cytogenetic location: 12q24.31.
Variant type: single nucleotide variant.
Coding change: c.200-4T>C on transcript NM_017612.5 (MANE Select); 4 bases into the intron before coding-DNA position 200, T replaced by C.
Molecular consequence: intron variant.
Genome position (GRCh38, 1-based): chr12:122,498,873, A>G on the plus strand (T>C on the coding strand, the complement: ZCCHC8 is on the minus strand). VCF-style: chr12-122498873-A-G. GRCh37 (hg19) VCF-style: chr12-122983420-A-G.
Other names: c.200-4T>C (NM_017612.4, NM_001350935.2); c.-239-4T>C (NM_001350938.2); c.-345-4T>C (NM_001350937.2); c.-56+1100T>C (NM_001350936.2).
Identifiers: ClinVar variation 1165267 (VCV001165267.12), dbSNP rs138694442, ClinGen allele CA6846506.
Genomic context (GRCh38, chr12:122,498,873, plus strand): 5'-CAAAAATCTCATACCTCGGTCGAGTCAGAATGTTCAATTTTCGTTTAAGTTCTTGATGTT[A>G]TTATTTGTTAAGGAAGATAAGCCCTCATTTAACAATGCAAATCATAAAATTCAACTACTA-3'